The following is an entry in ClinVar:

ClinVar aggregate classification (germline): Uncertain significance. Review status: criteria provided, multiple submitters, no conflicts (2 of 4 stars). 3 submissions from 3 submitters: Uncertain significance (3). Last evaluated 2025-02-19.

Conditions:
Inborn genetic diseases. Identifiers: MedGen C0950123, MeSH D030342.

Allele frequency attached by ClinVar (database versions not stated): ExAC 0.00002; gnomAD 0.00003; gnomAD exomes 0.00003; TOPMed 0.00003; 1000 Genomes Project 30x 0.00016; 1000 Genomes Project 0.00020.
gnomAD v4.1: 49 of 1,611,612 alleles (0.003%); highest among the groups gnomAD compares: South Asian, 0.0055%; 1 homozygote.

Submissions (3):

Ambry Genetics
Classification: Uncertain significance for Inborn genetic diseases. Last evaluated: 2025-02-19. Review status: criteria provided, single submitter. Criteria: Ambry Variant Classification Scheme 2023. Collection method: clinical testing. Allele origin: germline.

Blueprint Genetics
Classification: Uncertain significance. Last evaluated: 2024-10-09. Review status: criteria provided, single submitter. Criteria: ACMG Guidelines, 2015. Collection method: clinical testing. Allele origin: germline.

Labcorp Genetics (formerly Invitae), Labcorp
Classification: Uncertain significance. Last evaluated: 2022-07-06. Review status: criteria provided, single submitter. Criteria: Invitae Variant Classification Sherloc (09022015). Collection method: clinical testing. Allele origin: germline.
Comment: This sequence change replaces alanine, which is neutral and non-polar, with threonine, which is neutral and polar, at codon 997 of the LRPPRC protein (p.Ala997Thr). This variant is present in population databases (rs566932178, gnomAD 0.006%). This variant has not been reported in the literature in individuals affected with LRPPRC-related conditions. Advanced modeling of protein sequence and biophysical properties (such as structural, functional, and spatial information, amino acid conservation, physicochemical variation, residue mobility, and thermodynamic stability) performed at Invitae indicates that this missense variant is expected to disrupt LRPPRC protein function. In summary, the available evidence is currently insufficient to determine the role of this variant in disease. Therefore, it has been classified as a Variant of Uncertain Significance.

NM_133259.4(LRPPRC):c.2989G>A (p.Ala997Thr)

Gene: LRPPRC (leucine rich pentatricopeptide repeat containing; minus strand). Cytogenetic location: 2p21.
Variant type: single nucleotide variant.
Coding change: c.2989G>A on transcript NM_133259.4 (MANE Select); coding-DNA position 2989, G replaced by A.
Protein change: p.Ala997Thr; replaces alanine 997 with threonine.
Molecular consequence: missense variant.
Genome position (GRCh38, 1-based): chr2:43,918,306, C>T on the plus strand (G>A on the coding strand, the complement: LRPPRC is on the minus strand). VCF-style: chr2-43918306-C-T. GRCh37 (hg19) VCF-style: chr2-44145445-C-T.
Other names: c.2989G>A (NM_133259.3); short protein forms A997T.
Identifiers: ClinVar variation 2146064 (VCV002146064.5), dbSNP rs566932178, ClinGen allele CA1638240.